The following is an entry in ClinVar:

NM_014956.5(CEP164):c.2638C>T (p.Leu880Phe)

Gene: CEP164 (centrosomal protein 164; plus strand). Cytogenetic location: 11q23.3.
Variant type: single nucleotide variant.
Coding change: c.2638C>T on transcript NM_014956.5 (MANE Select); coding-DNA position 2638, C replaced by T.
Protein change: p.Leu880Phe; replaces leucine 880 with phenylalanine.
Molecular consequence: missense variant.
Genome position (GRCh38, 1-based): chr11:117,394,371, C>T. VCF-style: chr11-117394371-C-T. GRCh37 (hg19) VCF-style: chr11-117265087-C-T.
Other names: c.2647C>T, p.Leu883Phe (NM_001271933.2); short protein forms L880F, L883F.
Identifiers: ClinVar variation 3348005 (VCV003348005.1).
Genomic context (GRCh38, chr11:117,394,371, plus strand): 5'-TGCCGCAGCTTCCCACCGGTGGGCCCACCCTCCTTGCAGGAGAGGAAGCAGCGGGCTGAG[C>T]TTCTGGGGCACCTGACCGGAGAGCTGGAGCGCCTGCAGAGGGCCCATGAACGAGAACTGG-3'
Protein context (NP_055771.4, residues 870-890): EAEERKQRAE[Leu880Phe]LGHLTGELER

ClinVar aggregate classification (germline): Uncertain significance (0 of 4 stars; one submission).

Conditions:
CEP164-related disorder. Also called: CEP164-related condition.

Submission:

PreventionGenetics, part of Exact Sciences
Classification: Uncertain significance for CEP164-related condition. Last evaluated: 2024-07-15. Review status: no assertion criteria provided. Collection method: clinical testing. Allele origin: germline.
Comment: The CEP164 c.2638C>T variant is predicted to result in the amino acid substitution p.Leu880Phe. To our knowledge, this variant has not been reported in the literature or in a large population database, indicating this variant is rare. At this time, the clinical significance of this variant is uncertain due to the absence of conclusive functional and genetic evidence.